The following is an entry in ClinVar:

ClinVar aggregate classification (germline): Uncertain significance (1 of 4 stars; one submission).

Allele frequency attached by ClinVar (database versions not stated): gnomAD exomes below 0.00001.
gnomAD v4.1: 1 of 1,612,816 alleles (0.000062%); highest among the groups gnomAD compares: Non-Finnish European, 0.000085%; no homozygotes.

Submission:

Labcorp Genetics (formerly Invitae), Labcorp
Classification: Uncertain significance. Last evaluated: 2021-11-23. Review status: criteria provided, single submitter. Criteria: Invitae Variant Classification Sherloc (09022015). Collection method: clinical testing. Allele origin: germline.
Comment: This sequence change replaces glutamic acid, which is acidic and polar, with alanine, which is neutral and non-polar, at codon 182 of the CPOX protein (p.Glu182Ala). This variant is not present in population databases (gnomAD no frequency). This variant has not been reported in the literature in individuals affected with CPOX-related conditions. Algorithms developed to predict the effect of missense changes on protein structure and function (SIFT, PolyPhen-2, Align-GVGD) all suggest that this variant is likely to be tolerated. In summary, the available evidence is currently insufficient to determine the role of this variant in disease. Therefore, it has been classified as a Variant of Uncertain Significance.

NM_000097.7(CPOX):c.545A>C (p.Glu182Ala)

Gene: CPOX (coproporphyrinogen oxidase; minus strand). Cytogenetic location: 3q11.2.
Variant type: single nucleotide variant.
Coding change: c.545A>C on transcript NM_000097.7 (MANE Select); coding-DNA position 545, A replaced by C.
Protein change: p.Glu182Ala; replaces glutamic acid 182 with alanine.
Molecular consequence: missense variant.
Genome position (GRCh38, 1-based): chr3:98,592,960, T>G on the plus strand (A>C on the coding strand, the complement: CPOX is on the minus strand). VCF-style: chr3-98592960-T-G. GRCh37 (hg19) VCF-style: chr3-98311804-T-G.
Other names: short protein forms E182A.
Identifiers: ClinVar variation 1394782 (VCV001394782.6), dbSNP rs1576306448, ClinGen allele CA353646241.